The following is an entry in ClinVar:

ClinVar aggregate classification (germline): Pathogenic. Review status: criteria provided, multiple submitters, no conflicts (2 of 4 stars). 3 submissions from 3 submitters: Pathogenic (3). Last evaluated 2024-05-21.

Conditions:
Lynch syndrome 5 (LYNCH5). Also called: Colorectal cancer, hereditary nonpolyposis, type 5; Hereditary non-polyposis colorectal cancer, type 5. Identifiers: Orphanet 144, MedGen C1833477, MONDO:0013710, OMIM 614350. Disease mechanism: loss of function.
Hereditary nonpolyposis colorectal neoplasms. Identifiers: MedGen C0009405, MeSH D003123.
Hereditary cancer-predisposing syndrome. Also called: Hereditary Cancer Syndrome; Tumor predisposition; Hereditary neoplastic syndrome; Neoplastic Syndromes, Hereditary. Identifiers: Orphanet 140162, MedGen C0027672, MeSH D009386, MONDO:0015356.

Submissions (3):

Ambry Genetics
Classification: Pathogenic for Hereditary cancer-predisposing syndrome. Last evaluated: 2024-05-21. Review status: criteria provided, single submitter. Criteria: Ambry Variant Classification Scheme 2023. Collection method: clinical testing. Allele origin: germline.
Comment: The c.470dupA pathogenic mutation, located in coding exon 3 of the MSH6 gene, results from a duplication of A at nucleotide position 470, causing a translational frameshift with a predicted alternate stop codon (p.E158Gfs*14). This variant is considered to be rare based on population cohorts in the Genome Aggregation Database (gnomAD). This alteration is expected to result in loss of function by premature protein truncation or nonsense-mediated mRNA decay. As such, this alteration is interpreted as a disease-causing mutation.

Myriad Genetics, Inc.
Classification: Pathogenic for Lynch syndrome 5. Last evaluated: 2023-08-10. Review status: criteria provided, single submitter. Criteria: Myriad Autosomal Dominant, Autosomal Recessive and X-Linked Classification Criteria (2023). Collection method: clinical testing. Allele origin: unknown.
Comment: This variant is considered pathogenic. This variant creates a frameshift predicted to result in premature protein truncation.

Labcorp Genetics (formerly Invitae), Labcorp
Classification: Pathogenic for Hereditary nonpolyposis colorectal neoplasms. Last evaluated: 2022-04-27. Review status: criteria provided, single submitter. Criteria: Invitae Variant Classification Sherloc (09022015). Collection method: clinical testing. Allele origin: germline.
Comment: This variant has not been reported in the literature in individuals affected with MSH6-related conditions. This variant is not present in population databases (gnomAD no frequency). This sequence change creates a premature translational stop signal (p.Glu158Glyfs*14) in the MSH6 gene. It is expected to result in an absent or disrupted protein product. Loss-of-function variants in MSH6 are known to be pathogenic (PMID: 18269114, 24362816). For these reasons, this variant has been classified as Pathogenic.

Literature cited by the submitters: PubMed 18269114 (cited by Labcorp Genetics (formerly Invitae), Labcorp); PubMed 24362816 (cited by Labcorp Genetics (formerly Invitae), Labcorp).

NM_000179.3(MSH6):c.470dup (p.Glu158fs)

Gene: MSH6 (mutS homolog 6; plus strand). Cytogenetic location: 2p16.3.
Variant type: Duplication.
Coding change: c.470dup on transcript NM_000179.3 (MANE Select); coding-DNA position 470, one base duplicated (A; older notation c.470dupA).
Protein change: p.Glu158fs; shifts the reading frame from glutamic acid 158.
Molecular consequence: frameshift variant. On other transcripts: 5 prime UTR variant (1), intron variant (2).
Genome position (GRCh38, 1-based): chr2:47,795,906, A duplicated; the last of 3 consecutive A bases (chr2:47,795,904-47,795,906); duplicating any one gives the same sequence. VCF-style (leftmost placement, unchanged base first): chr2-47795903-C-CA. GRCh37 (hg19) VCF-style: chr2-48023042-C-CA.
Other names: c.-433dup (NM_001281494.2); c.-279-2705dup (NM_001281493.2); c.238-2705dup (NM_001281492.2); c.470dupA (NM_000179.2); short protein forms E158fs.
Identifiers: ClinVar variation 1415084 (VCV001415084.8), dbSNP rs1553411392, ClinGen allele CA2573134896.